The following is an entry in ClinVar:

ClinVar aggregate classification (germline): Uncertain significance (1 of 4 stars; one submission).

Conditions:
Dyskeratosis congenita. Identifiers: Orphanet 1775, MedGen C0265965, MONDO:0015780.

Submission:

Ambry Genetics
Classification: Uncertain significance for Dyskeratosis congenita. Last evaluated: 2026-08-10. Review status: criteria provided, single submitter. Criteria: Ambry Variant Classification Scheme 2023. Collection method: clinical testing. Allele origin: germline.
Comment: The p.V435M variant (also known as c.1303G>A), located in coding exon 2 of the TERT gene, results from a G to A substitution at nucleotide position 1303. The valine at codon 435 is replaced by methionine, an amino acid with highly similar properties. This amino acid position is conserved. In addition, this alteration is predicted to be tolerated by in silico analysis. Based on the available evidence, the clinical significance of this variant remains unclear.

NM_198253.3(TERT):c.1303G>A (p.Val435Met)

Gene: TERT (telomerase reverse transcriptase; minus strand). Cytogenetic location: 5p15.33.
Variant type: single nucleotide variant.
Coding change: c.1303G>A on transcript NM_198253.3 (MANE Select); coding-DNA position 1303, G replaced by A.
Protein change: p.Val435Met; replaces valine 435 with methionine.
Molecular consequence: missense variant. On other transcripts: non-coding transcript variant (2).
Genome position (GRCh38, 1-based): chr5:1,293,583, C>T on the plus strand (G>A on the coding strand, the complement: TERT is on the minus strand). VCF-style: chr5-1293583-C-T. GRCh37 (hg19) VCF-style: chr5-1293698-C-T.
Other names: c.1303G>A, p.Val435Met (NM_001193376.3); short protein forms V435M.
Identifiers: ClinVar variation 5030659 (VCV005030659.1).